The following is an entry in ClinVar:

NM_001354768.3(NRL):c.565G>A (p.Ala189Thr)

Genes: NRL (neural retina leucine zipper; minus strand), LOC130055387 (ATAC-STARR-seq lymphoblastoid silent region 5620; plus strand). Cytogenetic location: 14q11.2.
Variant type: single nucleotide variant.
Coding change: c.565G>A on transcript NM_001354768.3 (MANE Select); coding-DNA position 565, G replaced by A.
Protein change: p.Ala189Thr; replaces alanine 189 with threonine.
Molecular consequence: missense variant.
Genome position (GRCh38, 1-based): chr14:24,081,385, C>T on the plus strand (G>A on the coding strand, the complement: NRL is on the minus strand). VCF-style: chr14-24081385-C-T. GRCh37 (hg19) VCF-style: chr14-24550594-C-T.
Other names: c.565G>A, p.Ala189Thr (NM_001354769.1, NM_006177.5); c.250G>A, p.Ala84Thr (NM_001354770.2); short protein forms A189T, A84T.
Identifiers: ClinVar variation 2751057 (VCV002751057.3), dbSNP rs2502512855, ClinGen allele CA389277422.

ClinVar aggregate classification (germline): Uncertain significance (1 of 4 stars; one submission).

Allele frequency attached by ClinVar (database versions not stated): gnomAD exomes below 0.00001.
gnomAD v4.1: 2 of 1,463,946 alleles (0.00014%); highest among the groups gnomAD compares: Non-Finnish European, 0.00009%; no homozygotes.

Submission:

Labcorp Genetics (formerly Invitae), Labcorp
Classification: Uncertain significance. Last evaluated: 2023-09-28. Review status: criteria provided, single submitter. Criteria: Invitae Variant Classification Sherloc (09022015). Collection method: clinical testing. Allele origin: germline.
Comment: This sequence change replaces alanine, which is neutral and non-polar, with threonine, which is neutral and polar, at codon 189 of the NRL protein (p.Ala189Thr). In summary, the available evidence is currently insufficient to determine the role of this variant in disease. Therefore, it has been classified as a Variant of Uncertain Significance. An algorithm developed to predict the effect of missense changes on protein structure and function (PolyPhen-2) suggests that this variant is likely to be disruptive. This variant has not been reported in the literature in individuals affected with NRL-related conditions. This variant is not present in population databases (gnomAD no frequency).